The following is an entry in ClinVar:

ClinVar aggregate classification (germline): Conflicting classifications of pathogenicity. Review status: criteria provided, conflicting classifications (1 of 4 stars). 5 submissions from 5 submitters: Uncertain significance (3); Benign (1); Likely benign (1). Last evaluated 2026-01-04.

Conditions:
OTOF-related disorder. Also called: OTOF-related condition.
Autosomal recessive nonsyndromic hearing loss 9. Also called: OTOF-Related Hearing Loss; Deafness, autosomal recessive 9; AUDITORY NEUROPATHY, AUTOSOMAL RECESSIVE, 1, TEMPERATURE-SENSITIVE; NEUROSENSORY NONSYNDROMIC RECESSIVE DEAFNESS 9. Identifiers: Orphanet 90636, MedGen C1832828, MONDO:0010986, OMIM 601071.

Allele frequency attached by ClinVar (database versions not stated): gnomAD exomes 0.00007 and 0.00015; ExAC 0.00017; 1000 Genomes Project 0.00020; TOPMed 0.00047; ESP Exome Variant Server 0.00054; 1000 Genomes Project 30x 0.00031; gnomAD 0.00036 and 0.00040.
gnomAD v4.1: 175 of 1,614,224 alleles (0.011%); highest among the groups gnomAD compares: African/African-American, 0.14%; no homozygotes.

Submissions (5):

Labcorp Genetics (formerly Invitae), Labcorp
Classification: Benign. Last evaluated: 2026-01-04. Review status: criteria provided, single submitter. Criteria: Invitae Variant Classification Sherloc (09022015). Collection method: clinical testing. Allele origin: germline.

GeneDx
Classification: Uncertain significance. Last evaluated: 2025-12-18. Review status: criteria provided, single submitter. Criteria: GeneDx Variant Classification Process June 2021. Collection method: clinical testing. Allele origin: germline. Affected: yes.
Comment: Identified in a patient with bilateral hearing loss in published literature (PMID: 41377690); In silico analysis supports that this missense variant has a deleterious effect on protein structure/function; This variant is associated with the following publications: (PMID: 41377690)

PreventionGenetics, part of Exact Sciences
Classification: Likely benign for OTOF-related condition. Last evaluated: 2025-10-21. Review status: criteria provided, single submitter. Criteria: ACMG Guidelines, 2015. Collection method: clinical testing. Allele origin: germline.
Comment: This variant is classified as likely benign based on ACMG/AMP sequence variant interpretation guidelines (Richards et al. 2015 PMID: 25741868, with internal and published modifications).

Blueprint Genetics
Classification: Uncertain significance. Last evaluated: 2024-11-05. Review status: criteria provided, single submitter. Criteria: ACMG Guidelines, 2015. Collection method: clinical testing. Allele origin: germline.

Genomic Medicine Center of Excellence, King Faisal Specialist Hospital and Research Centre
Classification: Uncertain significance for Autosomal recessive nonsyndromic hearing loss 9. Last evaluated: 2024-03-17. Review status: criteria provided, single submitter. Criteria: ACMG Guidelines, 2015. Collection method: research. Allele origin: germline.

NM_194248.3(OTOF):c.4435G>A (p.Gly1479Ser)

Gene: OTOF (otoferlin; minus strand). Cytogenetic location: 2p23.3.
Variant type: single nucleotide variant.
Coding change: c.4435G>A on transcript NM_194248.3 (MANE Select); coding-DNA position 4435, G replaced by A.
Protein change: p.Gly1479Ser; replaces glycine 1479 with serine.
Molecular consequence: missense variant.
Genome position (GRCh38, 1-based): chr2:26,466,779, C>T on the plus strand (G>A on the coding strand, the complement: OTOF is on the minus strand). VCF-style: chr2-26466779-C-T. GRCh37 (hg19) VCF-style: chr2-26689647-C-T.
Other names: c.4435G>A, p.Gly1479Ser (NM_001287489.2); c.2134G>A, p.Gly712Ser (NM_004802.4, NM_194323.3); c.2365G>A, p.Gly789Ser (NM_194322.3); c.4435G>A (NM_194248.2); short protein forms G1479S, G712S, G789S.
Identifiers: ClinVar variation 1217813 (VCV001217813.14), dbSNP rs145588516, ClinGen allele CA1563165.